The following is an entry in ClinVar:

ClinVar aggregate classification (germline): Likely benign (1 of 4 stars; one submission).

Submission:

CeGaT Center for Human Genetics Tuebingen
Classification: Likely benign. Last evaluated: 2026-08-01. Review status: criteria provided, single submitter. Criteria: CeGaT Center For Human Genetics Tuebingen Variant Classification Criteria Version 2. Collection method: clinical testing. Allele origin: germline. Affected: yes. Observed: 3 variant alleles.
Comment: PLIN4: PM2:Supporting, BP4, BP7

NM_001367868.2(PLIN4):c.894A>T (p.Thr298=)

Gene: PLIN4 (perilipin 4; minus strand). Cytogenetic location: 19p13.3.
Variant type: single nucleotide variant.
Coding change: c.894A>T on transcript NM_001367868.2 (MANE Select); coding-DNA position 894, A replaced by T.
Protein change: p.Thr298=; no amino-acid change (threonine 298 retained).
Molecular consequence: synonymous variant.
Genome position (GRCh38, 1-based): chr19:4,513,066, T>A on the plus strand (A>T on the coding strand, the complement: PLIN4 is on the minus strand). VCF-style: chr19-4513066-T-A. GRCh37 (hg19) VCF-style: chr19-4513078-T-A.
Other names: c.897A>T, p.Thr299= (NM_001393888.1, NM_001393889.1); c.894A>T, p.Thr298= (NM_001393890.1, NM_001393891.1).
Identifiers: ClinVar variation 4821025 (VCV004821025.4).
Genomic context (GRCh38, chr19:4,513,066, plus strand): 5'-GGTTCCTTTGGCCACATTCATGGCACCAGTCACCCCACTACAGACGGTGTCCTTGGTACC[T>A]GTTAGGACAGTCTTACTGGTGTCCACGCCGGTCTGGATGGTTCCTTTGGCCACATTCATG-3'
Protein context (NP_001354797.1, residues 288-308): TGVDTSKTVL[Thr298=]GTKDTVCSGV